The following is an entry in ClinVar:

ClinVar aggregate classification (germline): Uncertain significance (1 of 4 stars; one submission).

Allele frequency attached by ClinVar (database versions not stated): TOPMed 0.00001.

Submission:

GeneDx
Classification: Uncertain significance. Last evaluated: 2026-08-04. Review status: criteria provided, single submitter. Criteria: GeneDx Variant Classification Process June 2021. Collection method: clinical testing. Allele origin: germline.
Comment: Not observed at significant frequency in large population cohorts (gnomAD); In silico analysis supports that this missense variant has a deleterious effect on protein structure/function; Has not been previously published as pathogenic or benign to our knowledge

NM_001385012.1(NBEA):c.5861A>T (p.Lys1954Met)

Gene: NBEA (neurobeachin; plus strand). Cytogenetic location: 13q13.3.
Variant type: single nucleotide variant.
Coding change: c.5861A>T on transcript NM_001385012.1 (MANE Select); coding-DNA position 5861, A replaced by T.
Protein change: p.Lys1954Met; replaces lysine 1954 with methionine.
Molecular consequence: missense variant.
Genome position (GRCh38, 1-based): chr13:35,309,550, A>T. VCF-style: chr13-35309550-A-T. GRCh37 (hg19) VCF-style: chr13-35883687-A-T.
Other names: c.5852A>T, p.Lys1951Met (NM_001379245.1); c.5861A>T, p.Lys1954Met (NM_015678.5); short protein forms K1951M, K1954M.
Identifiers: ClinVar variation 2505747 (VCV002505747.4), dbSNP rs929318544, ClinGen allele CA248200229.